The following is an entry in ClinVar:

ClinVar aggregate classification (germline): Uncertain significance (1 of 4 stars; one submission).

Submission:

GeneDx
Classification: Uncertain significance. Last evaluated: 2024-12-02. Review status: criteria provided, single submitter. Criteria: GeneDx Variant Classification Process June 2021. Collection method: clinical testing. Allele origin: germline. Affected: yes.
Comment: Not observed at significant frequency in large population cohorts (gnomAD); In silico analysis supports that this missense variant has a deleterious effect on protein structure/function; Has not been previously published as pathogenic or benign to our knowledge

NM_170606.3(KMT2C):c.11908G>A (p.Asp3970Asn)

Gene: KMT2C (lysine methyltransferase 2C; minus strand). Cytogenetic location: 7q36.1.
Variant type: single nucleotide variant.
Coding change: c.11908G>A on transcript NM_170606.3 (MANE Select); coding-DNA position 11908, G replaced by A.
Protein change: p.Asp3970Asn; replaces aspartic acid 3970 with asparagine.
Molecular consequence: missense variant.
Genome position (GRCh38, 1-based): chr7:152,155,962, C>T on the plus strand (G>A on the coding strand, the complement: KMT2C is on the minus strand). VCF-style: chr7-152155962-C-T. GRCh37 (hg19) VCF-style: chr7-151853047-C-T.
Other names: short protein forms D3970N.
Identifiers: ClinVar variation 3901675 (VCV003901675.1).